The following is an entry in ClinVar:

ClinVar aggregate classification (germline): Uncertain significance (1 of 4 stars; one submission).

Allele frequency attached by ClinVar (database versions not stated): gnomAD exomes below 0.00001.
gnomAD v4.1: 2 of 1,613,856 alleles (0.00012%); highest among the groups gnomAD compares: Admixed American, 0.0017%; no homozygotes.

Submission:

Labcorp Genetics (formerly Invitae), Labcorp
Classification: Uncertain significance. Last evaluated: 2022-07-09. Review status: criteria provided, single submitter. Criteria: Invitae Variant Classification Sherloc (09022015). Collection method: clinical testing. Allele origin: germline.
Comment: This variant is not present in population databases (gnomAD no frequency). This sequence change replaces aspartic acid, which is acidic and polar, with asparagine, which is neutral and polar, at codon 430 of the COL18A1 protein (p.Asp430Asn). This variant has not been reported in the literature in individuals affected with COL18A1-related conditions. Experimental studies and prediction algorithms are not available or were not evaluated, and the functional significance of this variant is currently unknown. In summary, the available evidence is currently insufficient to determine the role of this variant in disease. Therefore, it has been classified as a Variant of Uncertain Significance.

NM_001379500.1(COL18A1):c.1288G>A (p.Asp430Asn)

Gene: COL18A1 (collagen type XVIII alpha 1 chain; plus strand). Cytogenetic location: 21q22.3.
Variant type: single nucleotide variant.
Coding change: c.1288G>A on transcript NM_001379500.1 (MANE Select); coding-DNA position 1288, G replaced by A.
Protein change: p.Asp430Asn; replaces aspartic acid 430 with asparagine.
Molecular consequence: missense variant.
Genome position (GRCh38, 1-based): chr21:45,479,941, G>A. VCF-style: chr21-45479941-G-A. GRCh37 (hg19) VCF-style: chr21-46899855-G-A.
Other names: c.1828G>A, p.Asp610Asn (NM_030582.4); c.2533G>A, p.Asp845Asn (NM_130444.3); short protein forms D430N, D610N, D845N.
Identifiers: ClinVar variation 1954606 (VCV001954606.5), dbSNP rs2035834577, ClinGen allele CA410516735.